The following is an entry in ClinVar:

NM_000536.4(RAG2):c.583T>C (p.Tyr195His)

Gene: RAG2 (recombination activating 2; minus strand). Cytogenetic location: 11p12.
Variant type: single nucleotide variant.
Coding change: c.583T>C on transcript NM_000536.4 (MANE Select); coding-DNA position 583, T replaced by C.
Protein change: p.Tyr195His; replaces tyrosine 195 with histidine.
Molecular consequence: missense variant.
Genome position (GRCh38, 1-based): chr11:36,593,586, A>G on the plus strand (T>C on the coding strand, the complement: RAG2 is on the minus strand). VCF-style: chr11-36593586-A-G. GRCh37 (hg19) VCF-style: chr11-36615136-A-G.
Other names: c.583T>C, p.Tyr195His (NM_001243785.2, NM_001243786.2); short protein forms Y195H.
Identifiers: ClinVar variation 1426954 (VCV001426954.7), dbSNP rs1479328926, ClinGen allele CA380142546.

ClinVar aggregate classification (germline): Uncertain significance (1 of 4 stars; one submission).

Conditions:
Severe combined immunodeficiency, autosomal recessive, T cell-negative, B cell-negative, NK cell-positive. Also called: SCID, T CELL-NEGATIVE, B CELL-NEGATIVE, NK CELL-POSITIVE; SCID, AR, T-cell negative, B-cell negative, NK cell-positive; Severe combined immunodeficiency due to complete RAG1/2 deficiency. Identifiers: Orphanet 331206, MedGen C1832322, MONDO:0011086, OMIM 601457.
Combined immunodeficiency with skin granulomas. Identifiers: Orphanet 157949, MedGen C2673536, MONDO:0009306, OMIM 233650.

Allele frequency attached by ClinVar (database versions not stated): gnomAD exomes below 0.00001; TOPMed 0.00001; gnomAD 0.00002.

Submission:

Labcorp Genetics (formerly Invitae), Labcorp
Classification: Uncertain significance for Combined immunodeficiency with skin granulomas; Severe combined immunodeficiency, autosomal recessive, T cell-negative, B cell-negative, NK cell-positive. Last evaluated: 2024-02-17. Review status: criteria provided, single submitter. Criteria: Invitae Variant Classification Sherloc (09022015). Collection method: clinical testing. Allele origin: germline.
Comment: This sequence change replaces tyrosine, which is neutral and polar, with histidine, which is basic and polar, at codon 195 of the RAG2 protein (p.Tyr195His). This variant is present in population databases (no rsID available, gnomAD 0.003%). This variant has not been reported in the literature in individuals affected with RAG2-related conditions. ClinVar contains an entry for this variant (Variation ID: 1426954). Advanced modeling of protein sequence and biophysical properties (such as structural, functional, and spatial information, amino acid conservation, physicochemical variation, residue mobility, and thermodynamic stability) has been performed at Invitae for this missense variant, however the output from this modeling did not meet the statistical confidence thresholds required to predict the impact of this variant on RAG2 protein function. In summary, the available evidence is currently insufficient to determine the role of this variant in disease. Therefore, it has been classified as a Variant of Uncertain Significance.